The following is an entry in ClinVar:

ClinVar aggregate classification (germline): Uncertain significance (1 of 4 stars; one submission).

Allele frequency attached by ClinVar (database versions not stated): gnomAD exomes below 0.00001; gnomAD 0.00002; TOPMed 0.00002.
gnomAD v4.1: 9 of 1,613,724 alleles (0.00056%); highest among the groups gnomAD compares: Admixed American, 0.0017%; no homozygotes.

Submission:

Labcorp Genetics (formerly Invitae), Labcorp
Classification: Uncertain significance. Last evaluated: 2024-08-31. Review status: criteria provided, single submitter. Criteria: Invitae Variant Classification Sherloc (09022015). Collection method: clinical testing. Allele origin: germline.
Comment: This sequence change replaces asparagine, which is neutral and polar, with aspartic acid, which is acidic and polar, at codon 137 of the TSPAN12 protein (p.Asn137Asp). This variant is not present in population databases (gnomAD no frequency). This variant has not been reported in the literature in individuals affected with TSPAN12-related conditions. ClinVar contains an entry for this variant (Variation ID: 958329). Invitae Evidence Modeling of protein sequence and biophysical properties (such as structural, functional, and spatial information, amino acid conservation, physicochemical variation, residue mobility, and thermodynamic stability) indicates that this missense variant is not expected to disrupt TSPAN12 protein function with a negative predictive value of 80%. In summary, the available evidence is currently insufficient to determine the role of this variant in disease. Therefore, it has been classified as a Variant of Uncertain Significance.

NM_012338.4(TSPAN12):c.409A>G (p.Asn137Asp)

Gene: TSPAN12 (tetraspanin 12; minus strand). Cytogenetic location: 7q31.31.
Variant type: single nucleotide variant.
Coding change: c.409A>G on transcript NM_012338.4 (MANE Select); coding-DNA position 409, A replaced by G.
Protein change: p.Asn137Asp; replaces asparagine 137 with aspartic acid.
Molecular consequence: missense variant.
Genome position (GRCh38, 1-based): chr7:120,810,522, T>C on the plus strand (A>G on the coding strand, the complement: TSPAN12 is on the minus strand). VCF-style: chr7-120810522-T-C. GRCh37 (hg19) VCF-style: chr7-120450576-T-C.
Other names: short protein forms N137D.
Identifiers: ClinVar variation 958329 (VCV000958329.9), dbSNP rs993915239, ClinGen allele CA165837052.
Genomic context (GRCh38, chr7:120,810,522, plus strand): 5'-CCTCTCTCTGAAAAAAATTCCAAGCATGAGTAAGCCACCGATATCTAGGTAATCCATAAT[T>C]TGTCATCCTGGCTTTCAAAGTGACCATATCTGACCATTGTACTGGAACCTGGTGATAAAA-3'
Protein context (NP_036470.1, residues 127-147): DMVTLKARMT[Asn137Asp]YGLPRYRWLT